The following is an entry in ClinVar:

ClinVar aggregate classification (germline): Uncertain significance (1 of 4 stars; one submission).

gnomAD v4.1: 34 of 1,614,032 alleles (0.0021%); highest among the groups gnomAD compares: Admixed American, 0.023%; no homozygotes.

Submission:

Labcorp Genetics (formerly Invitae), Labcorp
Classification: Uncertain significance. Last evaluated: 2025-10-16. Review status: criteria provided, single submitter. Criteria: Invitae Variant Classification Sherloc (09022015). Collection method: clinical testing. Allele origin: germline.
Comment: This sequence change replaces serine, which is neutral and polar, with tyrosine, which is neutral and polar, at codon 442 of the SIAE protein (p.Ser442Tyr). This variant is present in population databases (no rsID available, gnomAD 0.009%). This variant has not been reported in the literature in individuals affected with SIAE-related conditions. An algorithm developed to predict the effect of missense changes on protein structure and function (PolyPhen-2) suggests that this variant is likely to be tolerated. In summary, the available evidence is currently insufficient to determine the role of this variant in disease. Therefore, it has been classified as a Variant of Uncertain Significance.

NM_170601.5(SIAE):c.1325C>A (p.Ser442Tyr)

Gene: SIAE (sialic acid acetylesterase; minus strand). Cytogenetic location: 11q24.2.
Variant type: single nucleotide variant.
Coding change: c.1325C>A on transcript NM_170601.5 (MANE Select); coding-DNA position 1325, C replaced by A.
Protein change: p.Ser442Tyr; replaces serine 442 with tyrosine.
Molecular consequence: missense variant.
Genome position (GRCh38, 1-based): chr11:124,637,198, G>T on the plus strand (C>A on the coding strand, the complement: SIAE is on the minus strand). VCF-style: chr11-124637198-G-T. GRCh37 (hg19) VCF-style: chr11-124507094-G-T.
Other names: c.1220C>A, p.Ser407Tyr (NM_001199922.2); short protein forms S407Y, S442Y.
Identifiers: ClinVar variation 4697658 (VCV004697658.1).